The following is an entry in ClinVar:

ClinVar aggregate classification (germline): Uncertain significance (1 of 4 stars; one submission).

Conditions:
Familial adenomatous polyposis 1 (FAP1). Also called: FAMILIAL ADENOMATOUS POLYPOSIS 1, ATTENUATED; POLYPOSIS, ADENOMATOUS INTESTINAL. Identifiers: MedGen C2713442, MONDO:0021056, OMIM 175100. Disease mechanism: loss of function.

Submission:

Labcorp Genetics (formerly Invitae), Labcorp
Classification: Uncertain significance for Familial adenomatous polyposis 1. Last evaluated: 2022-09-19. Review status: criteria provided, single submitter. Criteria: Invitae Variant Classification Sherloc (09022015). Collection method: clinical testing. Allele origin: germline.
Comment: In summary, the available evidence is currently insufficient to determine the role of this variant in disease. Therefore, it has been classified as a Variant of Uncertain Significance. Advanced modeling of protein sequence and biophysical properties (such as structural, functional, and spatial information, amino acid conservation, physicochemical variation, residue mobility, and thermodynamic stability) performed at Invitae indicates that this missense variant is not expected to disrupt APC protein function. This variant has not been reported in the literature in individuals affected with APC-related conditions. This variant is not present in population databases (gnomAD no frequency). This sequence change replaces glutamine, which is neutral and polar, with histidine, which is basic and polar, at codon 1541 of the APC protein (p.Gln1541His).

NM_000038.6(APC):c.4623G>T (p.Gln1541His)

Gene: APC (APC regulator of Wnt signaling pathway; plus strand). Cytogenetic location: 5q22.2.
Variant type: single nucleotide variant.
Coding change: c.4623G>T on transcript NM_000038.6 (MANE Select); coding-DNA position 4623, G replaced by T.
Protein change: p.Gln1541His; replaces glutamine 1541 with histidine.
Molecular consequence: missense variant.
Genome position (GRCh38, 1-based): chr5:112,840,217, G>T. VCF-style: chr5-112840217-G-T. GRCh37 (hg19) VCF-style: chr5-112175914-G-T.
Other names: c.4623G>T, p.Gln1541His (NM_001127510.3, NM_001354895.2, NM_001407450.1); c.4569G>T, p.Gln1523His (NM_001127511.3); c.4677G>T, p.Gln1559His (NM_001354896.2, NM_001407447.1, NM_001407448.1 and 1 more transcripts); c.4653G>T, p.Gln1551His (NM_001354897.2); c.4548G>T, p.Gln1516His (NM_001354898.2); c.4539G>T, p.Gln1513His (NM_001354899.2); c.4500G>T, p.Gln1500His (NM_001354900.2); c.4446G>T, p.Gln1482His (NM_001354901.2, NM_001407453.1); and 11 more; short protein forms Q1157H, Q1258H, Q1381H, Q1412H, Q1415H, Q1440H, Q1450H, Q1458H.
Identifiers: ClinVar variation 1719756 (VCV001719756.6), dbSNP rs369281524, ClinGen allele CA16031460.
Genomic context (GRCh38, chr5:112,840,217, plus strand): 5'-ATTAAGAATAATGCCTCCAGTTCAGGAAAATGACAATGGGAATGAAACAGAATCAGAGCA[G>T]CCTAAAGAATCAAATGAAAACCAAGAGAAAGAGGCAGAAAAAACTATTGATTCTGAAAAG-3'
Protein context (NP_000029.2, residues 1531-1551): NDNGNETESE[Gln1541His]PKESNENQEK